The following is an entry in ClinVar:

ClinVar aggregate classification (germline): Pathogenic, low penetrance (1 of 4 stars; one submission).

Conditions:
Atypical hemolytic-uremic syndrome. Identifiers: Orphanet 2134, MedGen C2931788, MONDO:0016244.

Submission:

Genomenon, Inc
Classification: Pathogenic, low penetrance for Atypical hemolytic-uremic syndrome. Last evaluated: 2025-10-02. Review status: criteria provided, single submitter. Criteria: Genomenon Sequence Variant Interpretation Standards - Updated. Collection method: curation. Allele origin: germline. Affected: yes.
Comment: CFH p.Gln1139Ter (c.3415C>T) is a nonsense variant that introduces a premature stop codon at amino acid position 1139, creating a truncated protein that is predicted to undergo nonsense-mediated mRNA decay. This variant has been observed in at least one proband affected with atypical hemolytic-uremic syndrome (PMID:17295030). It is absent or not present at a significant frequency in gnomAD. In conclusion, we classify CFH p.Gln1139Ter (c.3415C>T) as a pathogenic, low penetrance variant.

Literature cited by the submitters: PubMed 17295030.

NM_000186.4(CFH):c.3415C>T (p.Gln1139Ter)

Gene: CFH (complement factor H; plus strand). Cytogenetic location: 1q31.3.
Variant type: single nucleotide variant.
Coding change: c.3415C>T on transcript NM_000186.4 (MANE Select); coding-DNA position 3415, C replaced by T.
Protein change: p.Gln1139Ter; replaces glutamine 1139 with a stop codon.
Molecular consequence: nonsense.
Genome position (GRCh38, 1-based): chr1:196,745,921, C>T. VCF-style: chr1-196745921-C-T. GRCh37 (hg19) VCF-style: chr1-196715051-C-T.
Other names: short protein forms Q1139*.
Identifiers: ClinVar variation 4291567 (VCV004291567.1).
Genomic context (GRCh38, chr1:196,745,921, plus strand): 5'-GACATTACTTCATTCCCGTTGTCAGTATATGCTCCAGCTTCATCAGTTGAGTACCAATGC[C>T]AGAACTTGTATCAACTTGAGGGTAACAAGCGAATAACATGTAGAAATGGACAATGGTCAG-3'